The following is an entry in ClinVar:

ClinVar aggregate classification (germline): Likely pathogenic (1 of 4 stars; one submission).

Conditions:
Dilated cardiomyopathy 1J (CMD1J). Also called: CARDIOMYOPATHY, DILATED, WITH SENSORINEURAL HEARING LOSS, AUTOSOMAL DOMINANT. Identifiers: Orphanet 217622, MedGen C1854368, MONDO:0011541, OMIM 605362.

Submission:

Labcorp Genetics (formerly Invitae), Labcorp
Classification: Likely pathogenic for Dilated cardiomyopathy 1J. Last evaluated: 2025-05-13. Review status: criteria provided, single submitter. Criteria: Invitae Variant Classification Sherloc (09022015). Collection method: clinical testing. Allele origin: germline.
Comment: This sequence change affects a donor splice site in intron 11 of the EYA4 gene. It is expected to disrupt RNA splicing. Variants that disrupt the donor or acceptor splice site typically lead to a loss of protein function (PMID: 16199547), and loss-of-function variants in EYA4 are known to be pathogenic (PMID: 11159937, 25781927, 25963406). This variant is not present in population databases (gnomAD no frequency). This variant has not been reported in the literature in individuals affected with EYA4-related conditions. ClinVar contains an entry for this variant (Variation ID: 1510215). Algorithms developed to predict the effect of sequence changes on RNA splicing suggest that this variant may disrupt the consensus splice site. In summary, the currently available evidence indicates that the variant is pathogenic, but additional data are needed to prove that conclusively. Therefore, this variant has been classified as Likely Pathogenic.

Literature cited by the submitters: PubMed 16199547; PubMed 11159937; PubMed 25781927; PubMed 25963406.

NM_004100.5(EYA4):c.970+1G>A

Gene: EYA4 (EYA transcriptional coactivator and phosphatase 4; plus strand). Cytogenetic location: 6q23.2.
Variant type: single nucleotide variant.
Coding change: c.970+1G>A on transcript NM_004100.5 (MANE Select); the canonical splice donor site of the intron after coding-DNA position 970, G replaced by A.
Molecular consequence: splice donor variant. On other transcripts: missense variant (2).
Genome position (GRCh38, 1-based): chr6:133,468,732, G>A. VCF-style: chr6-133468732-G-A. GRCh37 (hg19) VCF-style: chr6-133789870-G-A.
Other names: c.971G>A, p.Gly324Asp (NM_001301013.2); c.809G>A, p.Gly270Asp (NM_001370459.1); c.970+1G>A (NM_172105.4); c.901+1G>A (NM_001370458.1, NM_172103.4); c.808+1G>A (NM_001301012.2); short protein forms G324D, G270D.
Identifiers: ClinVar variation 1510215 (VCV001510215.8), dbSNP rs2128674984, ClinGen allele CA365703971.